The following is an entry in ClinVar:

NM_021815.5(SLC5A7):c.1427A>G (p.Lys476Arg)

Gene: SLC5A7 (solute carrier family 5 member 7; plus strand). Cytogenetic location: 2q12.3.
Variant type: single nucleotide variant.
Coding change: c.1427A>G on transcript NM_021815.5 (MANE Select); coding-DNA position 1427, A replaced by G.
Protein change: p.Lys476Arg; replaces lysine 476 with arginine.
Molecular consequence: missense variant.
Genome position (GRCh38, 1-based): chr2:108,010,545, A>G. VCF-style: chr2-108010545-A-G. GRCh37 (hg19) VCF-style: chr2-108627001-A-G.
Other names: c.1427A>G, p.Lys476Arg (NM_001305005.3); c.1112A>G, p.Lys371Arg (NM_001305006.3); c.686A>G, p.Lys229Arg (NM_001305007.3); short protein forms K229R, K476R, K371R.
Identifiers: ClinVar variation 1772393 (VCV001772393.4), dbSNP rs2467133429, ClinGen allele CA348114552.

ClinVar aggregate classification (germline): Uncertain significance. Review status: criteria provided, multiple submitters, no conflicts (2 of 4 stars). 2 submissions from 2 submitters: Uncertain significance (2). Last evaluated 2024-04-22.

Conditions:
Neuronopathy, distal hereditary motor, type 7A. Also called: Neuronopathy, distal hereditary motor, type viia; NEURONOPATHY, DISTAL HEREDITARY MOTOR, HARDING TYPE VIIA; NEUROPATHY, DISTAL HEREDITARY MOTOR, HARDING TYPE VIIA; Neuronopathy, distal hereditary motor, autosomal dominant 7; HARPER-YOUNG MYOPATHY; HMN VIIA. Identifiers: Orphanet 139589, MedGen C1834703, MONDO:0008024, OMIM 158580.
Congenital myasthenic syndrome 20. Also called: Myasthenic syndrome, congenital, 20, presynaptic. Identifiers: MedGen C4310694, MONDO:0014939, OMIM 617143.
Inborn genetic diseases. Identifiers: MedGen C0950123, MeSH D030342.

Allele frequency attached by ClinVar (database versions not stated): gnomAD exomes below 0.00001.
gnomAD v4.1: 6 of 1,613,700 alleles (0.00037%); highest among the groups gnomAD compares: Non-Finnish European, 0.00051%; no homozygotes.

Submissions (2):

Labcorp Genetics (formerly Invitae), Labcorp
Classification: Uncertain significance for Neuronopathy, distal hereditary motor, type 7A; Congenital myasthenic syndrome 20. Last evaluated: 2024-04-22. Review status: criteria provided, single submitter. Criteria: Invitae Variant Classification Sherloc (09022015). Collection method: clinical testing. Allele origin: germline.
Comment: This sequence change replaces lysine, which is basic and polar, with arginine, which is basic and polar, at codon 476 of the SLC5A7 protein (p.Lys476Arg). This variant is not present in population databases (gnomAD no frequency). This variant has not been reported in the literature in individuals affected with SLC5A7-related conditions. ClinVar contains an entry for this variant (Variation ID: 1772393). Advanced modeling of protein sequence and biophysical properties (such as structural, functional, and spatial information, amino acid conservation, physicochemical variation, residue mobility, and thermodynamic stability) performed at Invitae indicates that this missense variant is not expected to disrupt SLC5A7 protein function with a negative predictive value of 80%. In summary, the available evidence is currently insufficient to determine the role of this variant in disease. Therefore, it has been classified as a Variant of Uncertain Significance.

Ambry Genetics
Classification: Uncertain significance for Inborn genetic diseases. Last evaluated: 2019-09-29. Review status: criteria provided, single submitter. Criteria: Ambry Variant Classification Scheme 2023. Collection method: clinical testing. Allele origin: germline.
Comment: The p.K476R variant (also known as c.1427A>G), located in coding exon 8 of the SLC5A7 gene, results from an A to G substitution at nucleotide position 1427. The lysine at codon 476 is replaced by arginine, an amino acid with highly similar properties. This amino acid position is poorly conserved in available vertebrate species. In addition, this alteration is predicted to be tolerated by in silico analysis. Since supporting evidence is limited at this time, the clinical significance of this alteration remains unclear.